The following is an entry in ClinVar:

NM_005534.4(IFNGR2):c.166A>G (p.Asn56Asp)

Gene: IFNGR2 (interferon gamma receptor 2; plus strand). Cytogenetic location: 21q22.11.
Variant type: single nucleotide variant.
Coding change: c.166A>G on transcript NM_005534.4 (MANE Select); coding-DNA position 166, A replaced by G.
Protein change: p.Asn56Asp; replaces asparagine 56 with aspartic acid.
Molecular consequence: missense variant.
Genome position (GRCh38, 1-based): chr21:33,414,980, A>G. VCF-style: chr21-33414980-A-G. GRCh37 (hg19) VCF-style: chr21-34787287-A-G.
Other names: c.223A>G, p.Asn75Asp (NM_001329128.2); short protein forms N75D, N56D.
Identifiers: ClinVar variation 1407596 (VCV001407596.3), dbSNP rs2123339315, ClinGen allele CA410116045.

ClinVar aggregate classification (germline): Uncertain significance (1 of 4 stars; one submission).

Conditions:
Immunodeficiency 28 (IMD28). Also called: IFNGR2 DEFICIENCY. Identifiers: Orphanet 319547, Orphanet 319574, MedGen C4013947, MONDO:0013953, OMIM 614889.

Submission:

Labcorp Genetics (formerly Invitae), Labcorp
Classification: Uncertain significance for Immunodeficiency 28. Last evaluated: 2021-11-06. Review status: criteria provided, single submitter. Criteria: Invitae Variant Classification Sherloc (09022015). Collection method: clinical testing. Allele origin: germline.
Comment: This sequence change replaces asparagine, which is neutral and polar, with aspartic acid, which is acidic and polar, at codon 56 of the IFNGR2 protein (p.Asn56Asp). This variant is not present in population databases (gnomAD no frequency). This variant has not been reported in the literature in individuals affected with IFNGR2-related conditions. Algorithms developed to predict the effect of missense changes on protein structure and function are either unavailable or do not agree on the potential impact of this missense change (SIFT: "Tolerated"; PolyPhen-2: "Possibly Damaging"; Align-GVGD: "Class C0"). In summary, the available evidence is currently insufficient to determine the role of this variant in disease. Therefore, it has been classified as a Variant of Uncertain Significance.